The following is an entry in ClinVar:

NM_139318.5(KCNH5):c.844A>G (p.Lys282Glu)

Gene: KCNH5 (potassium voltage-gated channel subfamily H member 5; minus strand). Cytogenetic location: 14q23.2.
Variant type: single nucleotide variant.
Coding change: c.844A>G on transcript NM_139318.5 (MANE Select); coding-DNA position 844, A replaced by G.
Protein change: p.Lys282Glu; replaces lysine 282 with glutamic acid.
Molecular consequence: missense variant.
Genome position (GRCh38, 1-based): chr14:62,980,970, T>C on the plus strand (A>G on the coding strand, the complement: KCNH5 is on the minus strand). VCF-style: chr14-62980970-T-C. GRCh37 (hg19) VCF-style: chr14-63447688-T-C.
Other names: c.844A>G, p.Lys282Glu (NM_172375.3); short protein forms K282E.
Identifiers: ClinVar variation 2977893 (VCV002977893.3), dbSNP rs192995121, ClinGen allele CA7217584.
Genomic context (GRCh38, chr14:62,980,970, plus strand): 5'-GTAAACAAGACAGCAGATCGATCACAAACCAAGTTTTCAGATAGTTCATCCTTATGAGCT[T>C]AGGGTCAGAAATGACCTCTCCACCGGGCCCCACGAAAGTCGTGTGAAAATTTAAAACGAT-3'
Protein context (NP_647479.2, residues 272-292): GPGGEVISDP[Lys282Glu]LIRMNYLKTW

ClinVar aggregate classification (germline): Uncertain significance (1 of 4 stars; one submission).

Conditions:
Early-infantile DEE. Also called: Ohtahara syndrome; Early infantile epileptic encephalopathy with suppression bursts; Early infantile epileptic encephalopathy. Identifiers: Orphanet 1934, MedGen C0393706, MONDO:0800491.

Allele frequency attached by ClinVar (database versions not stated): gnomAD 0.00001; gnomAD exomes 0.00002; 1000 Genomes Project 30x 0.00016; 1000 Genomes Project 0.00020; ExAC 0.00001.
gnomAD v4.1: 23 of 1,614,094 alleles (0.0014%); highest among the groups gnomAD compares: Non-Finnish European, 0.0019%; no homozygotes.

Submission:

Labcorp Genetics (formerly Invitae), Labcorp
Classification: Uncertain significance for Early-infantile DEE. Last evaluated: 2026-01-21. Review status: criteria provided, single submitter. Criteria: Invitae Variant Classification Sherloc (09022015). Collection method: clinical testing. Allele origin: germline.
Comment: This sequence change replaces lysine, which is basic and polar, with glutamic acid, which is acidic and polar, at codon 282 of the KCNH5 protein (p.Lys282Glu). This variant is present in population databases (rs192995121, gnomAD 0.0009%). This variant has not been reported in the literature in individuals affected with KCNH5-related conditions. ClinVar contains an entry for this variant (Variation ID: 2977893). Invitae Evidence Modeling of protein sequence and biophysical properties (such as structural, functional, and spatial information, amino acid conservation, physicochemical variation, residue mobility, and thermodynamic stability) indicates that this missense variant is not expected to disrupt KCNH5 protein function with a negative predictive value of 80%. In summary, the available evidence is currently insufficient to determine the role of this variant in disease. Therefore, it has been classified as a Variant of Uncertain Significance.